The following is an entry in ClinVar:

NM_018139.3(DNAAF2):c.1415C>T (p.Ser472Phe)

Gene: DNAAF2 (dynein axonemal assembly factor 2; minus strand). Cytogenetic location: 14q21.3.
Variant type: single nucleotide variant.
Coding change: c.1415C>T on transcript NM_018139.3 (MANE Select); coding-DNA position 1415, C replaced by T.
Protein change: p.Ser472Phe; replaces serine 472 with phenylalanine.
Molecular consequence: missense variant. On other transcripts: 5 prime UTR variant (1).
Genome position (GRCh38, 1-based): chr14:49,633,735, G>A on the plus strand (C>T on the coding strand, the complement: DNAAF2 is on the minus strand). VCF-style: chr14-49633735-G-A. GRCh37 (hg19) VCF-style: chr14-50100453-G-A.
Other names: c.1415C>T, p.Ser472Phe (NM_001083908.2); c.-457C>T (NM_001378453.1); short protein forms S472F.
Identifiers: ClinVar variation 1427262 (VCV001427262.8), dbSNP rs760270240, ClinGen allele CA7172918.

ClinVar aggregate classification (germline): Uncertain significance (1 of 4 stars; one submission).

Conditions:
Primary ciliary dyskinesia. Also called: Ciliary dyskinesia. Identifiers: Orphanet 244, MedGen C0008780, MONDO:0016575, HP:0012265.

Allele frequency attached by ClinVar (database versions not stated): gnomAD exomes 0.00001 and 0.00002; gnomAD 0.00002; TOPMed 0.00002; ExAC 0.00007.
gnomAD v4.1: 16 of 1,594,824 alleles (0.001%); highest among the groups gnomAD compares: South Asian, 0.0022%; 1 homozygote.

Submission:

Labcorp Genetics (formerly Invitae), Labcorp
Classification: Uncertain significance for Primary ciliary dyskinesia. Last evaluated: 2022-10-13. Review status: criteria provided, single submitter. Criteria: Invitae Variant Classification Sherloc (09022015). Collection method: clinical testing. Allele origin: germline.
Comment: In summary, the available evidence is currently insufficient to determine the role of this variant in disease. Therefore, it has been classified as a Variant of Uncertain Significance. Algorithms developed to predict the effect of missense changes on protein structure and function output the following: SIFT: "Tolerated"; PolyPhen-2: "Benign"; Align-GVGD: "Class C0". The phenylalanine amino acid residue is found in multiple mammalian species, which suggests that this missense change does not adversely affect protein function. ClinVar contains an entry for this variant (Variation ID: 1427262). This variant has not been reported in the literature in individuals affected with DNAAF2-related conditions. This variant is present in population databases (rs760270240, gnomAD 0.005%). This sequence change replaces serine, which is neutral and polar, with phenylalanine, which is neutral and non-polar, at codon 472 of the DNAAF2 protein (p.Ser472Phe).